The following is an entry in ClinVar:

NM_004329.3(BMPR1A):c.1271C>A (p.Pro424His)

Gene: BMPR1A (bone morphogenetic protein receptor type 1A; plus strand). Cytogenetic location: 10q23.2.
Variant type: single nucleotide variant.
Coding change: c.1271C>A on transcript NM_004329.3 (MANE Select); coding-DNA position 1271, C replaced by A.
Protein change: p.Pro424His; replaces proline 424 with histidine.
Molecular consequence: missense variant.
Genome position (GRCh38, 1-based): chr10:86,921,624, C>A. VCF-style: chr10-86921624-C-A. GRCh37 (hg19) VCF-style: chr10-88681381-C-A.
Other names: c.1271C>A (NM_004329.2); short protein forms P424H.
Identifiers: ClinVar variation 1394251 (VCV001394251.7), dbSNP rs2133607623, ClinGen allele CA377462184.

ClinVar aggregate classification (germline): Uncertain significance. Review status: criteria provided, multiple submitters, no conflicts (2 of 4 stars). 2 submissions from 2 submitters: Uncertain significance (2). Last evaluated 2024-12-20.

Conditions:
Hereditary cancer-predisposing syndrome. Also called: Hereditary neoplastic syndrome; Neoplastic Syndromes, Hereditary; Hereditary Cancer Syndrome; Tumor predisposition. Identifiers: Orphanet 140162, MedGen C0027672, MeSH D009386, MONDO:0015356.
Juvenile polyposis syndrome (JPS). Identifiers: Orphanet 2929, MedGen C0345893, MONDO:0017380, OMIM 174900.

Submissions (2):

Ambry Genetics
Classification: Uncertain significance for Hereditary cancer-predisposing syndrome. Last evaluated: 2024-12-20. Review status: criteria provided, single submitter. Criteria: Ambry Variant Classification Scheme 2023. Collection method: clinical testing. Allele origin: germline.
Comment: The p.P424H variant (also known as c.1271C>A), located in coding exon 9 of the BMPR1A gene, results from a C to A substitution at nucleotide position 1271. The proline at codon 424 is replaced by histidine, an amino acid with similar properties. This amino acid position is conserved. In addition, the in silico prediction for this alteration is inconclusive. Based on the available evidence, the clinical significance of this variant remains unclear.

Labcorp Genetics (formerly Invitae), Labcorp
Classification: Uncertain significance for Juvenile polyposis syndrome. Last evaluated: 2021-11-20. Review status: criteria provided, single submitter. Criteria: Invitae Variant Classification Sherloc (09022015). Collection method: clinical testing. Allele origin: germline.
Comment: Advanced modeling of protein sequence and biophysical properties (such as structural, functional, and spatial information, amino acid conservation, physicochemical variation, residue mobility, and thermodynamic stability) performed at Invitae indicates that this missense variant is not expected to disrupt BMPR1A protein function. In summary, the available evidence is currently insufficient to determine the role of this variant in disease. Therefore, it has been classified as a Variant of Uncertain Significance. This variant has not been reported in the literature in individuals affected with BMPR1A-related conditions. This variant is not present in population databases (gnomAD no frequency). This sequence change replaces proline, which is neutral and non-polar, with histidine, which is basic and polar, at codon 424 of the BMPR1A protein (p.Pro424His).